The following is an entry in ClinVar:

ClinVar aggregate classification (germline): Likely benign. Review status: criteria provided, multiple submitters, no conflicts (2 of 4 stars). 2 submissions from 2 submitters: Likely benign (2). Last evaluated 2025-10-29.

Conditions:
GSN-related disorder. Also called: GSN-related condition.

Allele frequency attached by ClinVar (database versions not stated): ExAC 0.00002; gnomAD exomes 0.00002; TOPMed 0.00002; gnomAD 0.00003.
gnomAD v4.1: 38 of 1,614,150 alleles (0.0024%); highest among the groups gnomAD compares: African/African-American, 0.0067%; no homozygotes.

Submissions (2):

PreventionGenetics, part of Exact Sciences
Classification: Likely benign for GSN-related condition. Last evaluated: 2025-10-29. Review status: criteria provided, single submitter. Criteria: ACMG Guidelines, 2015. Collection method: clinical testing. Allele origin: germline.
Comment: This variant is classified as likely benign based on ACMG/AMP sequence variant interpretation guidelines (Richards et al. 2015 PMID: 25741868, with internal and published modifications).

Labcorp Genetics (formerly Invitae), Labcorp
Classification: Likely benign. Last evaluated: 2025-06-12. Review status: criteria provided, single submitter. Criteria: Invitae Variant Classification Sherloc (09022015). Collection method: clinical testing. Allele origin: germline.

NM_198252.3(GSN):c.18C>T (p.Pro6=)

Gene: GSN (gelsolin; plus strand). Cytogenetic location: 9q33.2.
Variant type: single nucleotide variant.
Coding change: c.18C>T on transcript NM_198252.3 (MANE Select); coding-DNA position 18, C replaced by T.
Protein change: p.Pro6=; no amino-acid change (proline 6 retained).
Molecular consequence: synonymous variant. On other transcripts: intron variant (1).
Genome position (GRCh38, 1-based): chr9:121,301,989, C>T. VCF-style: chr9-121301989-C-T. GRCh37 (hg19) VCF-style: chr9-124064267-C-T.
Other names: c.171C>T, p.Pro57= (NM_000177.5); c.18C>T, p.Pro6= (NM_001127662.2, NM_001127664.2, NM_001127665.2 and 10 more transcripts); c.126C>T, p.Pro42= (NM_001127663.2); c.51C>T, p.Pro17= (NM_001127666.2, NM_001127667.2, NM_001353063.2 and 13 more transcripts); c.69C>T, p.Pro23= (NM_001258029.2); c.42C>T, p.Pro14= (NM_001258030.2); c.90C>T, p.Pro30= (NM_001353076.2); c.-458-922C>T (NM_001353078.2); and 1 more.
Identifiers: ClinVar variation 1664220 (VCV001664220.9), dbSNP rs771601417, ClinGen allele CA5220742.